The following is an entry in ClinVar:

ClinVar aggregate classification (germline): Uncertain significance (1 of 4 stars; one submission).

gnomAD v4.1: 3 of 1,614,084 alleles (0.00019%); highest among the groups gnomAD compares: Non-Finnish European, 0.00025%; no homozygotes.

Submission:

GeneDx
Classification: Uncertain significance. Last evaluated: 2023-10-19. Review status: criteria provided, single submitter. Criteria: GeneDx Variant Classification Process June 2021. Collection method: clinical testing. Allele origin: germline. Affected: yes.
Comment: Not observed at significant frequency in large population cohorts (gnomAD); In silico analysis supports that this missense variant does not alter protein structure/function; Has not been previously published as pathogenic or benign to our knowledge

NM_015001.3(SPEN):c.9032G>C (p.Arg3011Pro)

Gene: SPEN (spen family transcriptional repressor; plus strand). Cytogenetic location: 1p36.13.
Variant type: single nucleotide variant.
Coding change: c.9032G>C on transcript NM_015001.3 (MANE Select); coding-DNA position 9032, G replaced by C.
Protein change: p.Arg3011Pro; replaces arginine 3011 with proline.
Molecular consequence: missense variant.
Genome position (GRCh38, 1-based): chr1:15,935,272, G>C. VCF-style: chr1-15935272-G-C. GRCh37 (hg19) VCF-style: chr1-16261767-G-C.
Other names: short protein forms R3011P.
Identifiers: ClinVar variation 3363325 (VCV003363325.1).